The following is an entry in ClinVar:

ClinVar aggregate classification (germline): Uncertain significance (1 of 4 stars; one submission).

Allele frequency attached by ClinVar (database versions not stated): ExAC 0.00004; TOPMed 0.00007; ESP Exome Variant Server 0.00009; gnomAD 0.00009.
gnomAD v4.1: 25 of 1,168,281 alleles (0.0021%); highest among the groups gnomAD compares: African/African-American, 0.042%; no homozygotes.

Submission:

Labcorp Genetics (formerly Invitae), Labcorp
Classification: Uncertain significance. Last evaluated: 2025-06-12. Review status: criteria provided, single submitter. Criteria: Invitae Variant Classification Sherloc (09022015). Collection method: clinical testing. Allele origin: germline.
Comment: This sequence change replaces alanine, which is neutral and non-polar, with proline, which is neutral and non-polar, at codon 992 of the COL4A6 protein (p.Ala992Pro). The frequency data for this variant in the population databases is considered unreliable, as metrics indicate poor data quality at this position in the gnomAD database. This variant has not been reported in the literature in individuals affected with COL4A6-related conditions. ClinVar contains an entry for this variant (Variation ID: 2187274). An algorithm developed to predict the effect of missense changes on protein structure and function outputs the following: PolyPhen-2: "Benign". The proline amino acid residue is found in multiple mammalian species, which suggests that this missense change does not adversely affect protein function. In summary, the available evidence is currently insufficient to determine the role of this variant in disease. Therefore, it has been classified as a Variant of Uncertain Significance.

NM_033641.4(COL4A6):c.2971G>C (p.Ala991Pro)

Gene: COL4A6 (collagen type IV alpha 6 chain; minus strand). Cytogenetic location: Xq22.3.
Variant type: single nucleotide variant.
Coding change: c.2971G>C on transcript NM_033641.4 (MANE Select); coding-DNA position 2971, G replaced by C.
Protein change: p.Ala991Pro; replaces alanine 991 with proline.
Molecular consequence: missense variant.
Genome position (GRCh38, 1-based): chrX:108,174,607, C>G on the plus strand (G>C on the coding strand, the complement: COL4A6 is on the minus strand). VCF-style: chrX-108174607-C-G. GRCh37 (hg19) VCF-style: chrX-107417837-C-G.
Other names: c.3022G>C, p.Ala1008Pro (NM_001287758.2); c.2971G>C, p.Ala991Pro (NM_001287759.2, NM_001287760.2); c.2974G>C, p.Ala992Pro (NM_001847.4); short protein forms A1008P, A991P, A992P.
Identifiers: ClinVar variation 2187274 (VCV002187274.4), dbSNP rs146520601, ClinGen allele CA10487523.